The following is an entry in ClinVar:

NM_030787.4(CFHR5):c.1678G>T (p.Glu560Ter)

Gene: CFHR5 (complement factor H related 5; plus strand). Cytogenetic location: 1q31.3.
Variant type: single nucleotide variant.
Coding change: c.1678G>T on transcript NM_030787.4 (MANE Select); coding-DNA position 1678, G replaced by T.
Protein change: p.Glu560Ter; replaces glutamic acid 560 with a stop codon.
Molecular consequence: nonsense.
Genome position (GRCh38, 1-based): chr1:197,008,651, G>T. VCF-style: chr1-197008651-G-T. GRCh37 (hg19) VCF-style: chr1-196977781-G-T.
Other names: short protein forms E560*.
Identifiers: ClinVar variation 3491568 (VCV003491568.1).

ClinVar aggregate classification (germline): Uncertain significance (1 of 4 stars; one submission).

Conditions:
Inborn genetic diseases. Identifiers: MedGen C0950123, MeSH D030342.

gnomAD v4.1: 3 of 1,613,636 alleles (0.00019%); highest among the groups gnomAD compares: East Asian, 0.0067%; no homozygotes.

Submission:

Ambry Genetics
Classification: Uncertain significance for Inborn genetic diseases. Last evaluated: 2024-10-31. Review status: criteria provided, single submitter. Criteria: Ambry Variant Classification Scheme 2023. Collection method: clinical testing. Allele origin: germline.
Comment: Loss of function has not been established as a mechanism of disease Based on insufficient or conflicting evidence, the clinical significance of this alteration remains unclear.